The following is an entry in ClinVar:

NM_017563.5(IL17RD):c.1202G>A (p.Arg401Lys)

Gene: IL17RD (interleukin 17 receptor D; minus strand). Cytogenetic location: 3p14.3.
Variant type: single nucleotide variant.
Coding change: c.1202G>A on transcript NM_017563.5 (MANE Select); coding-DNA position 1202, G replaced by A.
Protein change: p.Arg401Lys; replaces arginine 401 with lysine.
Molecular consequence: missense variant.
Genome position (GRCh38, 1-based): chr3:57,098,501, C>T on the plus strand (G>A on the coding strand, the complement: IL17RD is on the minus strand). VCF-style: chr3-57098501-C-T. GRCh37 (hg19) VCF-style: chr3-57132529-C-T.
Other names: c.1202G>A, p.Arg401Lys (NM_001080973.1); c.770G>A, p.Arg257Lys (NM_001318864.2); short protein forms R257K, R401K.
Identifiers: ClinVar variation 2023091 (VCV002023091.4), dbSNP rs2471603844, ClinGen allele CA353312441.
Genomic context (GRCh38, chr3:57,098,501, plus strand): 5'-ACCACAATGATGAACTGGGACTCGTGGATCTTCTGGATGACCCATTCTCTCTGCCCTTCT[C>T]TACAGAGGCTGAAGTCTTCCCACAGGTCCAGAGCCACCTGGAAAGAGAACAAGGCACCTC-3'
Protein context (NP_060033.3, residues 391-411): LDLWEDFSLC[Arg401Lys]EGQREWVIQK

ClinVar aggregate classification (germline): Uncertain significance (1 of 4 stars; one submission).

Allele frequency attached by ClinVar (database versions not stated): gnomAD exomes below 0.00001.
gnomAD v4.1: 1 of 1,611,690 alleles (0.000062%); highest among the groups gnomAD compares: Non-Finnish European, 0.000085%; no homozygotes.

Submission:

Labcorp Genetics (formerly Invitae), Labcorp
Classification: Uncertain significance. Last evaluated: 2025-04-14. Review status: criteria provided, single submitter. Criteria: Invitae Variant Classification Sherloc (09022015). Collection method: clinical testing. Allele origin: germline.
Comment: This sequence change replaces arginine, which is basic and polar, with lysine, which is basic and polar, at codon 401 of the IL17RD protein (p.Arg401Lys). This variant is not present in population databases (gnomAD no frequency). This variant has not been reported in the literature in individuals affected with IL17RD-related conditions. ClinVar contains an entry for this variant (Variation ID: 2023091). Invitae Evidence Modeling of protein sequence and biophysical properties (such as structural, functional, and spatial information, amino acid conservation, physicochemical variation, residue mobility, and thermodynamic stability) indicates that this missense variant is not expected to disrupt IL17RD protein function with a negative predictive value of 80%. In summary, the available evidence is currently insufficient to determine the role of this variant in disease. Therefore, it has been classified as a Variant of Uncertain Significance.